The following is an entry in ClinVar:

ClinVar aggregate classification (germline): Uncertain significance (1 of 4 stars; one submission).

Submission:

GeneDx
Classification: Uncertain significance. Last evaluated: 2025-06-05. Review status: criteria provided, single submitter. Criteria: GeneDx Variant Classification Process June 2021. Collection method: clinical testing. Allele origin: germline. Affected: yes.
Comment: Not observed at significant frequency in large population cohorts (gnomAD); In silico analysis supports that this missense variant has a deleterious effect on protein structure/function; Has not been previously published as pathogenic or benign to our knowledge

NM_001129.5(AEBP1):c.274G>C (p.Asp92His)

Gene: AEBP1 (AE binding protein 1; plus strand). Cytogenetic location: 7p13.
Variant type: single nucleotide variant.
Coding change: c.274G>C on transcript NM_001129.5 (MANE Select); coding-DNA position 274, G replaced by C.
Protein change: p.Asp92His; replaces aspartic acid 92 with histidine.
Molecular consequence: missense variant.
Genome position (GRCh38, 1-based): chr7:44,106,566, G>C. VCF-style: chr7-44106566-G-C. GRCh37 (hg19) VCF-style: chr7-44146165-G-C.
Other names: short protein forms D92H.
Identifiers: ClinVar variation 4536454 (VCV004536454.1).